The following is an entry in ClinVar:

NM_000051.4(ATM):c.9058G>T (p.Val3020Leu)

Genes: ATM (ATM serine/threonine kinase; plus strand), C11orf65 (chromosome 11 open reading frame 65; minus strand). Cytogenetic location: 11q22.3.
Variant type: single nucleotide variant.
Coding change: c.9058G>T on transcript NM_000051.4 (MANE Select); coding-DNA position 9058, G replaced by T.
Protein change: p.Val3020Leu; replaces valine 3020 with leucine.
Molecular consequence: missense variant. On other transcripts: intron variant (2).
Genome position (GRCh38, 1-based): chr11:108,365,395, G>T. VCF-style: chr11-108365395-G-T. GRCh37 (hg19) VCF-style: chr11-108236122-G-T.
Other names: c.9058G>T, p.Val3020Leu (NM_001351834.2); c.640+20525C>A (NM_001330368.2); c.694+20525C>A (NM_001351110.2); short protein forms V3020L.
Identifiers: ClinVar variation 822947 (VCV000822947.15), dbSNP rs1386313592, ClinGen allele CA382531567.
Genomic context (GRCh38, chr11:108,365,395, plus strand): 5'-CAGAGTTTCAACAAAGTAGCTGAACGTGTCTTAATGAGACTACAAGAGAAACTGAAAGGA[G>T]TGGAAGAAGGCACTGTGCTCAGTGTTGGTGGACAAGTGAATTTGCTCATACAGCAGGCCA-3'
Protein context (NP_000042.3, residues 3010-3030): LMRLQEKLKG[Val3020Leu]EEGTVLSVGG

ClinVar aggregate classification (germline): Conflicting classifications of pathogenicity. Review status: criteria provided, conflicting classifications (1 of 4 stars). 3 submissions from 3 submitters: Uncertain significance (2); Likely benign (1). Last evaluated 2026-07-13.

Conditions:
Hereditary cancer-predisposing syndrome. Also called: Tumor predisposition; Neoplastic Syndromes, Hereditary; Hereditary Cancer Syndrome; Hereditary neoplastic syndrome. Identifiers: Orphanet 140162, MedGen C0027672, MeSH D009386, MONDO:0015356.
Ataxia-telangiectasia syndrome (AT). Also called: ATAXIA-TELANGIECTASIA, COMPLEMENTATION GROUP A; ATAXIA-TELANGIECTASIA, FRESNO VARIANT; Ataxia-telangiectasia; Ataxia-telangiectasia, complementation group D; AT, COMPLEMENTATION GROUP C; Ataxia-telangiectasia, complementation group E. Identifiers: Orphanet 100, MedGen C0004135, MONDO:0008840, OMIM 208900.

Allele frequency attached by ClinVar (database versions not stated): gnomAD 0.00001; gnomAD exomes below 0.00001; TOPMed below 0.00001.
gnomAD v4.1: 5 of 1,614,090 alleles (0.00031%); highest among the groups gnomAD compares: Non-Finnish European, 0.00042%; no homozygotes.

Submissions (3):

Ambry Genetics
Classification: Likely benign for Hereditary cancer-predisposing syndrome. Last evaluated: 2026-07-13. Review status: criteria provided, single submitter. Criteria: Ambry Variant Classification Scheme 2023. Collection method: clinical testing. Allele origin: germline.

Labcorp Genetics (formerly Invitae), Labcorp
Classification: Uncertain significance for Ataxia-telangiectasia syndrome. Last evaluated: 2025-04-24. Review status: criteria provided, single submitter. Criteria: Invitae Variant Classification Sherloc (09022015). Collection method: clinical testing. Allele origin: germline.
Comment: This sequence change replaces valine, which is neutral and non-polar, with leucine, which is neutral and non-polar, at codon 3020 of the ATM protein (p.Val3020Leu). This variant is not present in population databases (gnomAD no frequency). This variant has not been reported in the literature in individuals affected with ATM-related conditions. ClinVar contains an entry for this variant (Variation ID: 822947). Invitae Evidence Modeling of protein sequence and biophysical properties (such as structural, functional, and spatial information, amino acid conservation, physicochemical variation, residue mobility, and thermodynamic stability) indicates that this missense variant is not expected to disrupt ATM protein function with a negative predictive value of 95%. In summary, the available evidence is currently insufficient to determine the role of this variant in disease. Therefore, it has been classified as a Variant of Uncertain Significance.

Color Diagnostics, LLC DBA Color Health
Classification: Uncertain significance for Hereditary cancer-predisposing syndrome. Last evaluated: 2023-12-05. Review status: criteria provided, single submitter. Criteria: ACMG Guidelines, 2015. Collection method: clinical testing. Allele origin: germline.
Comment: This missense variant replaces valine with leucine at codon 3020 of the ATM protein. Computational prediction suggests that this variant may not impact protein structure and function (internally defined REVEL score threshold <= 0.5, PMID: 27666373). To our knowledge, functional studies have not been reported for this variant. This variant has not been reported in individuals affected with ATM-related disorders in the literature. This variant has not been identified in the general population by the Genome Aggregation Database (gnomAD). The available evidence is insufficient to determine the role of this variant in disease conclusively. Therefore, this variant is classified as a Variant of Uncertain Significance.

Literature cited by the submitters: PubMed 40580951 (cited by Ambry Genetics).